The following is an entry in ClinVar:

NM_018082.6(POLR3B):c.2055T>C (p.Tyr685=)

Gene: POLR3B (RNA polymerase III subunit B; plus strand). Cytogenetic location: 12q23.3.
Variant type: single nucleotide variant.
Coding change: c.2055T>C on transcript NM_018082.6 (MANE Select); coding-DNA position 2055, T replaced by C.
Protein change: p.Tyr685=; no amino-acid change (tyrosine 685 retained).
Molecular consequence: synonymous variant.
Genome position (GRCh38, 1-based): chr12:106,444,562, T>C. VCF-style: chr12-106444562-T-C. GRCh37 (hg19) VCF-style: chr12-106838340-T-C.
Other names: p.Tyr685=; c.1881T>C, p.Tyr627= (NM_001160708.2).
Identifiers: ClinVar variation 130001 (VCV000130001.23), dbSNP rs10861607, ClinGen allele CA154734.

ClinVar aggregate classification (germline): Benign. Review status: criteria provided, multiple submitters, no conflicts (2 of 4 stars). 8 submissions from 8 submitters: Benign (7). 1 of the submissions does not count toward it. Last evaluated 2026-02-04.

Conditions:
Leukodystrophy, hypomyelinating, 8, with or without oligodontia and/or hypogonadotropic hypogonadism. Also called: Hypomyelinating leukodystrophy 8 with or without oligodontia and-or hypogonadotropic hypogonadism; Endosteal sclerosis-cerebellar hypoplasia syndrome; LEUKODYSTROPHY, HYPOMYELINATING, 8, WITH HYPODONTIA AND HYPOGONADOTROPIC HYPOGONADISM. Identifiers: Orphanet 85186, Orphanet 88637, MedGen C3280644, MONDO:0013722, OMIM 614381.

Allele frequency attached by ClinVar (database versions not stated): ESP Exome Variant Server 0.19099; gnomAD 0.22605 and 0.23777; TOPMed 0.23168; 1000 Genomes Project 30x 0.30387; 1000 Genomes Project 0.31789.
gnomAD v4.1: 442,162 of 1,612,712 alleles (27%); highest among the groups gnomAD compares: East Asian, 70%; 68,456 homozygotes.

Submissions (8):

Labcorp Genetics (formerly Invitae), Labcorp
Classification: Benign. Last evaluated: 2026-02-04. Review status: criteria provided, single submitter. Criteria: Invitae Variant Classification Sherloc (09022015). Collection method: clinical testing. Allele origin: germline.

Blueprint Genetics
Classification: Benign. Last evaluated: 2024-11-27. Review status: criteria provided, single submitter. Criteria: ACMG Guidelines, 2015. Collection method: clinical testing. Allele origin: germline.

Mayo Clinic Laboratories, Mayo Clinic
Classification: Benign. Last evaluated: 2022-03-24. Review status: criteria provided, single submitter. Criteria: ACMG Guidelines, 2015. Collection method: clinical testing. Allele origin: germline. Observed: 210 variant alleles.

Genome-Nilou Lab
Classification: Benign for Leukodystrophy, hypomyelinating, 8, with or without oligodontia and/or hypogonadotropic hypogonadism. Last evaluated: 2021-10-25. Review status: criteria provided, single submitter. Criteria: ACMG Guidelines, 2015. Collection method: clinical testing. Allele origin: germline. Affected: no.

GeneDx
Classification: Benign. Last evaluated: 2018-08-11. Review status: criteria provided, single submitter. Criteria: GeneDx Variant Classification Process June 2021. Collection method: clinical testing. Allele origin: germline. Affected: yes.

Illumina Laboratory Services, Illumina
Classification: Benign for Leukodystrophy, hypomyelinating, 8, with or without oligodontia and/or hypogonadotropic hypogonadism. Last evaluated: 2018-01-13. Review status: criteria provided, single submitter. Criteria: ICSL Variant Classification Criteria 13 December 2019. Collection method: clinical testing. Allele origin: germline.
Comment: This variant was observed in the ICSL laboratory as part of a predisposition screen in an ostensibly healthy population. It had not been previously curated by ICSL or reported in the Human Gene Mutation Database (HGMD: prior to June 1st, 2018), and was therefore a candidate for classification through an automated scoring system. Utilizing variant allele frequency, disease prevalence and penetrance estimates, and inheritance mode, an automated score was calculated to assess if this variant is too frequent to cause the disease. Based on the score and internal cut-off values, a variant classified as benign is not then subjected to further curation. The score for this variant resulted in a classification of benign for this disease.

Breakthrough Genomics
Classification: Benign. Review status: criteria provided, single submitter. Criteria: ACMG Guidelines, 2015. Collection method: not provided. Allele origin: germline. Inheritance: Autosomal recessive inheritance. Affected: yes.

Genetic Services Laboratory, University of Chicago
Classification: Likely benign for AllHighlyPenetrant. Review status: no assertion criteria provided. Collection method: clinical testing. Allele origin: germline. Inheritance: Autosomal recessive inheritance. Not counted in ClinVar's aggregate classification.
Comment: Likely benign based on allele frequency in 1000 Genomes Project or ESP global frequency and its presence in a patient with a rare or unrelated disease phenotype. NOT Sanger confirmed.